The following is an entry in ClinVar:

ClinVar aggregate classification (germline): Conflicting classifications of pathogenicity. Review status: criteria provided, conflicting classifications (1 of 4 stars). 4 submissions from 4 submitters: Uncertain significance (3); Likely benign (1). Last evaluated 2025-05-19.

Conditions:
Hereditary cancer-predisposing syndrome. Also called: Tumor predisposition; Hereditary Cancer Syndrome; Hereditary neoplastic syndrome; Neoplastic Syndromes, Hereditary. Identifiers: Orphanet 140162, MedGen C0027672, MeSH D009386, MONDO:0015356.
Familial cancer of breast. Also called: hereditary breast carcinoma; BREAST CANCER, FAMILIAL; Hereditary breast cancer. Identifiers: Orphanet 227535, MedGen C0346153, MONDO:0016419, OMIM 114480. Disease mechanism: loss of function.
Breast-ovarian cancer, familial, susceptibility to, 2 (BROVCA2). Also called: BRCA2 Hereditary Breast and Ovarian Cancer. Identifiers: Orphanet 145, MedGen C2675520, MONDO:0012933, OMIM 612555. Disease mechanism: loss of function.
Hereditary breast ovarian cancer syndrome. Also called: Hereditary breast and ovarian cancer; Breast and ovarian cancer; BRCA1- and BRCA2-Associated Hereditary Breast and Ovarian Cancer; Hereditary breast and ovarian cancer syndrome; Hereditary breast and ovarian cancer syndrome (HBOC); Hereditary breast and/or ovarian cancer syndrome. Identifiers: Orphanet 145, MedGen C0677776, MeSH D061325, MONDO:0003582. Disease mechanism: loss of function.

Allele frequency attached by ClinVar (database versions not stated): gnomAD exomes below 0.00001 and 0.00001; ExAC 0.00001; gnomAD 0.00001; TOPMed 0.00001; 1000 Genomes Project 0.00020; 1000 Genomes Project 30x 0.00031.
gnomAD v4.1: 8 of 1,614,208 alleles (0.0005%); highest among the groups gnomAD compares: South Asian, 0.0077%; no homozygotes.

Submissions (4):

Ambry Genetics
Classification: Likely benign for Hereditary cancer-predisposing syndrome. Last evaluated: 2025-05-19. Review status: criteria provided, single submitter. Criteria: Ambry Variant Classification Scheme 2023. Collection method: clinical testing. Allele origin: germline.

Labcorp Genetics (formerly Invitae), Labcorp
Classification: Uncertain significance for Hereditary breast ovarian cancer syndrome. Last evaluated: 2024-11-27. Review status: criteria provided, single submitter. Criteria: Invitae Variant Classification Sherloc (09022015). Collection method: clinical testing. Allele origin: germline.
Comment: This sequence change replaces isoleucine, which is neutral and non-polar, with methionine, which is neutral and non-polar, at codon 2628 of the BRCA2 protein (p.Ile2628Met). This variant is present in population databases (rs529779203, gnomAD 0.006%). This missense change has been observed in individual(s) with pancreatic cancer (PMID: 35171259). ClinVar contains an entry for this variant (Variation ID: 234006). Invitae Evidence Modeling of protein sequence and biophysical properties (such as structural, functional, and spatial information, amino acid conservation, physicochemical variation, residue mobility, and thermodynamic stability) indicates that this missense variant is not expected to disrupt BRCA2 protein function with a negative predictive value of 95%. In summary, the available evidence is currently insufficient to determine the role of this variant in disease. Therefore, it has been classified as a Variant of Uncertain Significance.

Department of Pathology and Laboratory Medicine, Sinai Health System
Classification: Uncertain significance for Familial cancer of breast; Breast-ovarian cancer, familial, susceptibility to, 2. Last evaluated: 2021-10-25. Review status: criteria provided, single submitter. Criteria: ACMG Guidelines, 2015. Collection method: clinical testing. Allele origin: germline. Affected: yes.

GeneDx
Classification: Uncertain significance. Last evaluated: 2017-10-18. Review status: criteria provided, single submitter. Criteria: GeneDx Variant Classification (06012015). Collection method: clinical testing. Allele origin: germline. Affected: yes.
Comment: This variant is denoted BRCA2 c.7884A>G at the cDNA level, p.Ile2628Met (I2628M) at the protein level, and results in the change of an Isoleucine to a Methionine (ATA>ATG). Using alternate nomenclature, this variant would be defined as BRCA2 8112A>G. This variant has not, to our knowledge, been published in the literature as pathogenic or benign. BRCA2 Ile2628Met was not observed at a significant allele frequency in large population cohorts (Lek 2016). Since Isoleucine and Methionine share similar properties, this is considered a conservative amino acid substitution. BRCA2 Ile2628Met occurs at a position where amino acids with properties similar to Isoleucine are tolerated across species and is located in the DNA Binding Domain (Yang 2002). In silico analyses are inconsistent regarding the effect this variant may have on protein structure and function. Based on currently available evidence, it is unclear whether BRCA2 Ile2628Met is a pathogenic or benign variant. We consider it to be a variant of uncertain significance.

Literature cited by the submitters: PubMed 35171259 (cited by Ambry Genetics and Labcorp Genetics (formerly Invitae), Labcorp); PubMed 36200007 (cited by Ambry Genetics).

NM_000059.4(BRCA2):c.7884A>G (p.Ile2628Met)

Gene: BRCA2 (BRCA2 DNA repair associated; plus strand). Cytogenetic location: 13q13.1.
Variant type: single nucleotide variant.
Coding change: c.7884A>G on transcript NM_000059.4 (MANE Select); coding-DNA position 7884, A replaced by G.
Protein change: p.Ile2628Met; replaces isoleucine 2628 with methionine.
Molecular consequence: missense variant.
Genome position (GRCh38, 1-based): chr13:32,362,601, A>G. VCF-style: chr13-32362601-A-G. GRCh37 (hg19) VCF-style: chr13-32936738-A-G.
Other names: short protein forms I2628M.
Identifiers: ClinVar variation 234006 (VCV000234006.16), dbSNP rs529779203, ClinGen allele CA6941162.